The following is an entry in ClinVar:

NM_005502.4(ABCA1):c.6768G>A (p.Val2256=)

Genes: ABCA1 (ATP binding cassette subfamily A member 1; minus strand), NIPSNAP3B (nipsnap homolog 3B; plus strand). Cytogenetic location: 9q31.1.
Variant type: single nucleotide variant.
Coding change: c.6768G>A on transcript NM_005502.4 (MANE Select); coding-DNA position 6768, G replaced by A.
Protein change: p.Val2256=; no amino-acid change (valine 2256 retained).
Molecular consequence: synonymous variant.
Genome position (GRCh38, 1-based): chr9:104,784,333, C>T on the plus strand (G>A on the coding strand, the complement: ABCA1 is on the minus strand). VCF-style: chr9-104784333-C-T. GRCh37 (hg19) VCF-style: chr9-107546614-C-T.
Other names: c.6768G>A (NM_005502.3).
Identifiers: ClinVar variation 2499098 (VCV002499098.32), dbSNP rs192904467, ClinGen allele CA5167468.

ClinVar aggregate classification (germline): Benign/Likely benign. Review status: criteria provided, multiple submitters, no conflicts (2 of 4 stars). 3 submissions from 3 submitters: Benign (1); Likely benign (2). Last evaluated 2023-09-30.

Conditions:
Cardiovascular phenotype. Identifiers: MedGen CN230736.

Allele frequency attached by ClinVar (database versions not stated): gnomAD 0.00002; TOPMed 0.00002; gnomAD exomes 0.00004; ExAC 0.00014; 1000 Genomes Project 30x 0.00016; 1000 Genomes Project 0.00020.
gnomAD v4.1: 58 of 1,614,134 alleles (0.0036%); highest among the groups gnomAD compares: South Asian, 0.044%; 2 homozygotes.

Submissions (3):

Ambry Genetics
Classification: Likely benign for Cardiovascular phenotype. Last evaluated: 2023-09-30. Review status: criteria provided, single submitter. Criteria: Ambry Variant Classification Scheme 2023. Collection method: clinical testing. Allele origin: germline.

CeGaT Center for Human Genetics Tuebingen
Classification: Likely benign. Last evaluated: 2023-04-01. Review status: criteria provided, single submitter. Criteria: CeGaT Center For Human Genetics Tuebingen Variant Classification Criteria Version 2. Collection method: clinical testing. Allele origin: germline. Affected: yes. Observed: 1 variant allele.
Comment: ABCA1: BP4, BP7

Labcorp Genetics (formerly Invitae), Labcorp
Classification: Benign. Last evaluated: 2023-03-20. Review status: criteria provided, single submitter. Criteria: Invitae Variant Classification Sherloc (09022015). Collection method: clinical testing. Allele origin: germline.